The following is an entry in ClinVar:

ClinVar aggregate classification (germline): Pathogenic. Review status: reviewed by expert panel (3 of 4 stars). 7 submissions from 7 submitters: Pathogenic (1). 6 of the submissions do not count toward it. Last evaluated 2023-08-29.

Conditions:
CDH1-related diffuse gastric and lobular breast cancer syndrome. Also called: CDH1-related diffuse gastric and lobular breast cancer. Identifiers: MedGen CN311521, MONDO:0100488.
Hereditary cancer-predisposing syndrome. Also called: Hereditary neoplastic syndrome; Neoplastic Syndromes, Hereditary; Tumor predisposition; Hereditary Cancer Syndrome. Identifiers: Orphanet 140162, MedGen C0027672, MeSH D009386, MONDO:0015356.
Hereditary diffuse gastric adenocarcinoma (HDGC). Also called: DIFFUSE GASTRIC AND LOBULAR BREAST CANCER SYNDROME. Identifiers: Orphanet 26106, MedGen C1708349, MONDO:0007648, OMIM 137215.

Allele frequency attached by ClinVar (database versions not stated): gnomAD exomes below 0.00001; ExAC 0.00001.
gnomAD v4.1: 2 of 1,614,170 alleles (0.00012%); highest among the groups gnomAD compares: Non-Finnish European, 0.00017%; no homozygotes.

Submissions (7):

Clingen Gastric Cancer Variant Curation Expert Panel
Classification: Pathogenic for CDH1-related diffuse gastric and lobular breast cancer syndrome. Last evaluated: 2023-08-29. Review status: reviewed by expert panel. Criteria: ClinGen CDH1 ACMG Specifications V3.1. Collection method: curation. Allele origin: germline. Inheritance: Autosomal dominant inheritance.
Comment: The c.283C>T (p.Gln95*) variant is predicted to result in a premature stop codon that leads to a truncated or absent protein (PVS1, PM5_Supporting). The variant is present in <1/100,000 alleles in the gnomAD cohort. (PM2_Supporting). This variant has been reported in at least 2 families meeting HDGC clinical criteria (PS4_Moderate; PMID: 17545690, internal laboratory contributor). In summary, this variant meets criteria to be classified as pathogenic based on the ACMG/AMP criteria applied as specified by the CDH1 Variant Curation Expert Panel (Variant Interpretation Guidelines Version 3.1): PVS1, PM2_Supporting, PS4_Moderate, PM5_Supporting.

Labcorp Genetics (formerly Invitae), Labcorp
Classification: Pathogenic for Hereditary diffuse gastric adenocarcinoma. Last evaluated: 2025-11-17. Review status: criteria provided, single submitter. Criteria: Invitae Variant Classification Sherloc (09022015). Collection method: clinical testing. Allele origin: germline. Not counted in ClinVar's aggregate classification.
Comment: This sequence change creates a premature translational stop signal (p.Gln95*) in the CDH1 gene. It is expected to result in an absent or disrupted protein product. Loss-of-function variants in CDH1 are known to be pathogenic (PMID: 15235021, 20373070). This variant is present in population databases (rs781409616, gnomAD 0.0009%). This premature translational stop signal has been observed in individual(s) with gastric cancer and gastric, breast, and colon cancer (PMID: 11434599, 17545690, 21271559, 23709761, 26484312). It has also been observed to segregate with disease in related individuals. ClinVar contains an entry for this variant (Variation ID: 463775). For these reasons, this variant has been classified as Pathogenic.

Mayo Clinic Laboratories, Mayo Clinic
Classification: Pathogenic. Last evaluated: 2024-05-17. Review status: criteria provided, single submitter. Criteria: ACMG Guidelines, 2015. Collection method: clinical testing. Allele origin: germline. Observed: 1 variant allele. Not counted in ClinVar's aggregate classification.
Comment: PM2, PM5_supporting, PS4_moderate, PVS1

Myriad Genetics, Inc.
Classification: Pathogenic for Hereditary diffuse gastric adenocarcinoma. Last evaluated: 2023-06-08. Review status: criteria provided, single submitter. Criteria: Myriad Autosomal Dominant, Autosomal Recessive and X-Linked Classification Criteria (2023). Collection method: clinical testing. Allele origin: unknown. Not counted in ClinVar's aggregate classification.
Comment: This variant is considered pathogenic. This variant creates a termination codon and is predicted to result in premature protein truncation.

European Reference Network on Genetic Tumour Risk Syndromes (ERN-GENTURIS), i3s - Instituto de Investigação e Inovação em Saúde, University of Porto
Classification: Pathogenic for Hereditary diffuse gastric adenocarcinoma. Last evaluated: 2022-08-01. Review status: criteria provided, single submitter. Criteria: Lee et al. (Hum Mutat. 2018). Collection method: clinical testing. Allele origin: germline. Inheritance: Autosomal dominant inheritance. Affected: no. Study: ERN GENTURIS. Not counted in ClinVar's aggregate classification.
Comment: PVS1; PS4_Moderate; PM2 (PMID: 30311375)

Color Diagnostics, LLC DBA Color Health
Classification: Pathogenic for Hereditary cancer-predisposing syndrome. Last evaluated: 2021-06-07. Review status: criteria provided, single submitter. Criteria: ACMG Guidelines, 2015. Collection method: clinical testing. Allele origin: germline. Not counted in ClinVar's aggregate classification.
Comment: This variant changes 1 nucleotide in exon 3 of the CDH1 gene, creating a premature translation stop signal. This variant is expected to result in an absent or non-functional protein product. This variant has been reported in individuals affected with hereditary diffuse gastic cancer (HDGC) in the literature and was observed to co-segregate with HDGC in one family (PMID: 11434599, 17545690, 23709761). The variant has also been observed in breast and colorectal cancer cases (PMID: 21271559, 26484312). This variant has been identified in 1/251330 chromosomes in the general population by the Genome Aggregation Database (gnomAD). Loss of CDH1 function is a known mechanism of disease. Based on the available evidence, this variant is classified as Pathogenic.

Ambry Genetics
Classification: Pathogenic for Hereditary cancer-predisposing syndrome. Last evaluated: 2020-01-14. Review status: criteria provided, single submitter. Criteria: Ambry Variant Classification Scheme 2023. Collection method: clinical testing. Allele origin: germline. Not counted in ClinVar's aggregate classification.
Comment: The p.Q95* pathogenic mutation (also known as c.283C>T), located in coding exon 3 of the CDH1 gene, results from a C to T substitution at nucleotide position 283. This changes the amino acid from a glutamine to a stop codon within coding exon 3. This alteration has been reported in several hereditary diffuse gastric cancer and/or lobular breast cancer families (Dussaulx-Garin L et al. Eur J Gastroenterol Hepatol, 2001 Jun;13:711-5; Xie ZM et al. Cancer, 2011 Jul;117:3112-7; Benusiglio PR et al. J. Med. Genet., 2013 Jul;50:486-9). In addition to the clinical data presented in the literature, this alteration is expected to result in loss of function by premature protein truncation or nonsense-mediated mRNA decay. As such, this alteration is interpreted as a disease-causing mutation.

Literature cited by the submitters: PubMed 17545690 (cited by 4 submitters); PubMed 15235021 (cited by Labcorp Genetics (formerly Invitae), Labcorp); PubMed 20373070 (cited by Labcorp Genetics (formerly Invitae), Labcorp); PubMed 11434599 (cited by 3 submitters); PubMed 21271559 (cited by 3 submitters); PubMed 23709761 (cited by 3 submitters); PubMed 26484312 (cited by Labcorp Genetics (formerly Invitae), Labcorp); PubMed 36436516 (cited by European Reference Network on Genetic Tumour Risk Syndromes (ERN-GENTURIS), i3s - Instituto de Investigação e Inovação em Saúde, University of Porto); PubMed 26182300 (cited by Ambry Genetics); PubMed 30745422 (cited by Ambry Genetics).

NM_004360.5(CDH1):c.283C>T (p.Gln95Ter)

Gene: CDH1 (cadherin 1; plus strand). Cytogenetic location: 16q22.1.
Variant type: single nucleotide variant.
Coding change: c.283C>T on transcript NM_004360.5 (MANE Select); coding-DNA position 283, C replaced by T.
Protein change: p.Gln95Ter; replaces glutamine 95 with a stop codon.
Molecular consequence: nonsense. On other transcripts: 5 prime UTR variant (2).
Genome position (GRCh38, 1-based): chr16:68,801,789, C>T. VCF-style: chr16-68801789-C-T. GRCh37 (hg19) VCF-style: chr16-68835692-C-T.
Other names: NM_004360.4(CDH1):c.283C>T; p.Gln95*; c.283C>T (LRG_301t1); c.283C>T, p.Gln95Ter (NM_001317184.2); c.-1333C>T (NM_001317185.2); c.-1537C>T (NM_001317186.2); short protein forms Q95*.
Identifiers: ClinVar variation 463775 (VCV000463775.20), dbSNP rs781409616, ClinGen allele CA8129823.